The following is an entry in ClinVar:

NM_005560.6(LAMA5):c.6237C>T (p.Ser2079=)

Gene: LAMA5 (laminin subunit alpha 5; minus strand). Cytogenetic location: 20q13.33.
Variant type: single nucleotide variant.
Coding change: c.6237C>T on transcript NM_005560.6 (MANE Select); coding-DNA position 6237, C replaced by T.
Protein change: p.Ser2079=; no amino-acid change (serine 2079 retained).
Molecular consequence: synonymous variant.
Genome position (GRCh38, 1-based): chr20:62,322,378, G>A on the plus strand (C>T on the coding strand, the complement: LAMA5 is on the minus strand). VCF-style: chr20-62322378-G-A. GRCh37 (hg19) VCF-style: chr20-60897434-G-A.
Identifiers: ClinVar variation 1641531 (VCV001641531.24), dbSNP rs201406188, ClinGen allele CA9941836.

ClinVar aggregate classification (germline): Likely benign. Review status: criteria provided, multiple submitters, no conflicts (2 of 4 stars). 2 submissions from 2 submitters: Likely benign (2). Last evaluated 2025-06-12.

Allele frequency attached by ClinVar (database versions not stated): TOPMed 0.00010; gnomAD 0.00011; gnomAD exomes 0.00012; ExAC 0.00015; ESP Exome Variant Server 0.00016; 1000 Genomes Project 30x 0.00031; 1000 Genomes Project 0.00040.
gnomAD v4.1: 202 of 1,591,680 alleles (0.013%); highest among the groups gnomAD compares: African/African-American, 0.016%; no homozygotes.

Submissions (2):

Labcorp Genetics (formerly Invitae), Labcorp
Classification: Likely benign. Last evaluated: 2025-06-12. Review status: criteria provided, single submitter. Criteria: Invitae Variant Classification Sherloc (09022015). Collection method: clinical testing. Allele origin: germline.

CeGaT Center for Human Genetics Tuebingen
Classification: Likely benign. Last evaluated: 2024-08-01. Review status: criteria provided, single submitter. Criteria: CeGaT Center For Human Genetics Tuebingen Variant Classification Criteria Version 2. Collection method: clinical testing. Allele origin: germline. Affected: yes. Observed: 1 variant allele.
Comment: LAMA5: BP4, BP7